The following is an entry in ClinVar:

NC_000012.11:g.(?_133249203)_(133263901_?)dup

Gene: POLE (DNA polymerase epsilon, catalytic subunit; minus strand). Cytogenetic location: 12q24.33.
Variant type: Duplication.
Identifiers: ClinVar variation 3244410 (VCV003244410.1).

ClinVar aggregate classification (germline): Uncertain significance (1 of 4 stars; one submission).

Submission:

Labcorp Genetics (formerly Invitae), Labcorp
Classification: Uncertain significance. Last evaluated: 2023-03-02. Review status: criteria provided, single submitter. Criteria: Invitae Variant Classification Sherloc (09022015). Collection method: clinical testing. Allele origin: unknown.
Comment: This variant results in a copy number gain of the genomic region encompassing exon(s) 1-15 of the POLE gene. This region includes the initiator codon of the gene. This copy number gain extends beyond the assayed region for this gene and therefore may encompass additional genes. As the precise location of this event is unknown, it may be in tandem or it may be located elsewhere in the genome. This variant has not been reported in the literature in individuals affected with POLE-related conditions. Experimental studies and prediction algorithms are not available or were not evaluated, and the functional significance of this variant is currently unknown. In summary, the available evidence is currently insufficient to determine the role of this variant in disease. Therefore, it has been classified as a Variant of Uncertain Significance.